The following is an entry in ClinVar:

ClinVar aggregate classification (germline): Uncertain significance. Review status: criteria provided, single submitter (1 of 4 stars). 2 submissions from 1 submitter: Uncertain significance (1). 1 of the submissions does not count toward it. Last evaluated 2022-09-30.

Conditions:
Senior-Loken syndrome 7 (SLSN7). Identifiers: Orphanet 3156, MedGen C3150877, MONDO:0013326, OMIM 613615.
Bardet-Biedl syndrome 16 (BBS16). Identifiers: Orphanet 110, MedGen C3889474, MONDO:0014444, OMIM 615993.

Submissions (2):

Labcorp Genetics (formerly Invitae), Labcorp
Classification: Uncertain significance. Last evaluated: 2022-09-30. Review status: criteria provided, single submitter. Criteria: Invitae Variant Classification Sherloc (09022015). Collection method: clinical testing. Allele origin: germline.
Comment: A copy number gain of the genomic region encompassing the full coding sequence of the COX20 gene has been identified. The boundaries of this event are unknown as they extend beyond the assayed region for this gene and therefore may encompass additional genes. As the precise location of this event is unknown, it may be in tandem or it may be located elsewhere in the genome. This variant has not been reported in the literature in individuals affected with COX20-related conditions. In summary, the available evidence is currently insufficient to determine the role of this variant in disease. Therefore, it has been classified as a Variant of Uncertain Significance.

Labcorp Genetics (formerly Invitae), Labcorp
Classification: Uncertain significance for Bardet-Biedl syndrome 16; Senior-Loken syndrome 7. Last evaluated: 2021-12-02. Review status: flagged submission. Criteria: Invitae Variant Classification Sherloc (09022015). Collection method: clinical testing. Allele origin: germline. Not counted in ClinVar's aggregate classification.
Comment: A copy number gain of the genomic region encompassing the full coding sequence of the SDCCAG8 gene has been identified. The boundaries of this event are unknown as they extend beyond the assayed region for this gene and therefore may encompass additional genes. As the precise location of this event is unknown, it may be in tandem or it may be located elsewhere in the genome. This variant has not been reported in the literature in individuals affected with SDCCAG8-related conditions. In summary, the available evidence is currently insufficient to determine the role of this variant in disease. Therefore, it has been classified as a Variant of Uncertain Significance.
ClinVar note: Reason: This record appears to be redundant with a more recent record from the same submitter.
ClinVar note: Notes: SCV002286057 appears to be redundant with SCV002302128.

NC_000001.10:g.(?_243303219)_(245027609_?)dup

Genes: CATSPERE (catsper channel auxiliary subunit epsilon; plus strand), ADSS2 (adenylosuccinate synthase 2; minus strand), AKT3 (AKT serine/threonine kinase 3; minus strand), CEP170 (centrosomal protein 170; minus strand), COX20 (cytochrome c oxidase assembly factor COX20; plus strand) and 5 more. Cytogenetic location: 1q43-44.
Variant type: Duplication.
Identifiers: ClinVar variation 1498702 (VCV001498702.5).